The following is an entry in ClinVar:

NM_001127208.3(TET2):c.372C>G (p.Asn124Lys)

Genes: TET2 (tet methylcytosine dioxygenase 2; plus strand), TET2-AS1 (TET2 antisense RNA 1; minus strand). Cytogenetic location: 4q24.
Variant type: single nucleotide variant.
Coding change: c.372C>G on transcript NM_001127208.3 (MANE Select); coding-DNA position 372, C replaced by G.
Protein change: p.Asn124Lys; replaces asparagine 124 with lysine.
Molecular consequence: missense variant.
Genome position (GRCh38, 1-based): chr4:105,234,314, C>G. VCF-style: chr4-105234314-C-G. GRCh37 (hg19) VCF-style: chr4-106155471-C-G.
Other names: c.372C>G, p.Asn124Lys (NM_017628.4); short protein forms N124K.
Identifiers: ClinVar variation 3967595 (VCV003967595.1).

ClinVar aggregate classification (germline): Uncertain significance (1 of 4 stars; one submission).

gnomAD v4.1: 2 of 1,614,084 alleles (0.00012%); highest among the groups gnomAD compares: Middle Eastern, 0.033%; no homozygotes.

Submission:

Ambry Genetics
Classification: Uncertain significance. Last evaluated: 2025-04-28. Review status: criteria provided, single submitter. Criteria: Ambry Variant Classification Scheme 2023. Collection method: clinical testing. Allele origin: germline.
Comment: The p.N124K variant (also known as c.372C>G), located in coding exon 1 of the TET2 gene, results from a C to G substitution at nucleotide position 372. The asparagine at codon 124 is replaced by lysine, an amino acid with similar properties. This amino acid position is conserved. In addition, this alteration is predicted to be tolerated by in silico analysis. Based on the available evidence, the clinical significance of this variant remains unclear.